The following is an entry in ClinVar:

ClinVar aggregate classification (germline): Benign (1 of 4 stars; one submission).

gnomAD v4.1: 15,843 of 1,217,542 alleles (1.3%); highest among the groups gnomAD compares: Non-Finnish European, 1.4%; 143 homozygotes.

Submission:

CeGaT Center for Human Genetics Tuebingen
Classification: Benign. Last evaluated: 2026-05-01. Review status: criteria provided, single submitter. Criteria: CeGaT Center For Human Genetics Tuebingen Variant Classification Criteria Version 2. Collection method: clinical testing. Allele origin: germline. Affected: yes. Observed: 2 variant alleles.
Comment: OTUD7A: BP4, BP7, BS1, BS2

NM_001382637.1(OTUD7A):c.2487G>A (p.Thr829=)

Gene: OTUD7A (OTU deubiquitinase 7A; minus strand). Cytogenetic location: 15q13.3.
Variant type: single nucleotide variant.
Coding change: c.2487G>A on transcript NM_001382637.1 (MANE Select); coding-DNA position 2487, G replaced by A.
Protein change: p.Thr829=; no amino-acid change (threonine 829 retained).
Molecular consequence: synonymous variant.
Genome position (GRCh38, 1-based): chr15:31,483,609, C>T on the plus strand (G>A on the coding strand, the complement: OTUD7A is on the minus strand). VCF-style: chr15-31483609-C-T. GRCh37 (hg19) VCF-style: chr15-31775812-C-T.
Other names: c.2466G>A, p.Thr822= (NM_130901.3).
Identifiers: ClinVar variation 4083671 (VCV004083671.8).